The following is an entry in ClinVar:

ClinVar aggregate classification (germline): Pathogenic. Review status: criteria provided, multiple submitters, no conflicts (2 of 4 stars). 3 submissions from 3 submitters: Pathogenic (3). Last evaluated 2023-10-27.

Conditions:
Retinal dystrophy. Also called: Inherited retinal dystrophy. Identifiers: Orphanet 71862, MedGen C0854723, MeSH D058499, MONDO:0019118, HP:0000556.

Allele frequency attached by ClinVar (database versions not stated): ExAC 0.00001; gnomAD exomes 0.00001; gnomAD 0.00003 and 0.00004.
gnomAD v4.1: 9 of 1,613,192 alleles (0.00056%); highest among the groups gnomAD compares: Admixed American, 0.0083%; no homozygotes.

Submissions (3):

Labcorp Genetics (formerly Invitae), Labcorp
Classification: Pathogenic. Last evaluated: 2023-10-27. Review status: criteria provided, single submitter. Criteria: Invitae Variant Classification Sherloc (09022015). Collection method: clinical testing. Allele origin: germline.
Comment: This sequence change creates a premature translational stop signal (p.Trp151*) in the CERKL gene. It is expected to result in an absent or disrupted protein product. Loss-of-function variants in CERKL are known to be pathogenic (PMID: 14681825, 23591405, 24043777). This variant is present in population databases (rs746595127, gnomAD 0.006%). This variant has not been reported in the literature in individuals affected with CERKL-related conditions. ClinVar contains an entry for this variant (Variation ID: 1205787). For these reasons, this variant has been classified as Pathogenic.

Dept Of Ophthalmology, Nagoya University
Classification: Pathogenic for Retinal dystrophy. Last evaluated: 2023-10-01. Review status: criteria provided, single submitter. Criteria: Submitter's publication. Collection method: research. Allele origin: germline. Affected: yes.

GeneDx
Classification: Pathogenic. Last evaluated: 2019-03-25. Review status: criteria provided, single submitter. Criteria: GeneDx Variant Classification Process June 2021. Collection method: clinical testing. Allele origin: germline. Affected: yes.
Comment: Nonsense variant predicted to result in protein truncation or nonsense mediated decay in a gene for which loss-of-function is a known mechanism of disease; Has not been previously published as pathogenic or benign to our knowledge

Literature cited by the submitters: PubMed 14681825 (cited by Labcorp Genetics (formerly Invitae), Labcorp); PubMed 23591405 (cited by Labcorp Genetics (formerly Invitae), Labcorp); PubMed 24043777 (cited by Labcorp Genetics (formerly Invitae), Labcorp).

NM_201548.5(CERKL):c.453G>A (p.Trp151Ter)

Gene: CERKL (CERK like autophagy regulator; minus strand). Cytogenetic location: 2q31.3.
Variant type: single nucleotide variant.
Coding change: c.453G>A on transcript NM_201548.5 (MANE Select); coding-DNA position 453, G replaced by A.
Protein change: p.Trp151Ter; replaces tryptophan 151 with a stop codon.
Molecular consequence: nonsense. On other transcripts: non-coding transcript variant (2).
Genome position (GRCh38, 1-based): chr2:181,603,865, C>T on the plus strand (G>A on the coding strand, the complement: CERKL is on the minus strand). VCF-style: chr2-181603865-C-T. GRCh37 (hg19) VCF-style: chr2-182468592-C-T.
Other names: c.453G>A, p.Trp151Ter (NM_001030311.3, NM_001030312.3, NM_001030313.3 and 1 more transcripts); short protein forms W151*.
Identifiers: ClinVar variation 1205787 (VCV001205787.7), dbSNP rs746595127, ClinGen allele CA2010839.